The following is an entry in ClinVar:

ClinVar aggregate classification (germline): Benign/Likely benign. Review status: criteria provided, multiple submitters, no conflicts (2 of 4 stars). 12 submissions from 12 submitters: Benign (9); Likely benign (1). 2 of the submissions do not count toward it. Last evaluated 2026-02-03.

Conditions:
Usher syndrome type 1 (USH1). Also called: RETINITIS PIGMENTOSA AND CONGENITAL DEAFNESS. Identifiers: Orphanet 231169, Orphanet 886, MedGen C1568247, MONDO:0010168, OMIM 276900.
Usher syndrome type 1C. Also called: USHER SYNDROME, TYPE I, ACADIAN VARIETY. Identifiers: Orphanet 231169, Orphanet 886, MedGen C1848604, MONDO:0010171, OMIM 276904.
Autosomal recessive nonsyndromic hearing loss 18A. Also called: DEAFNESS, AUTOSOMAL RECESSIVE 18; Deafness, autosomal recessive 18A. Identifiers: Orphanet 90636, MedGen C1865870, MONDO:0011192, OMIM 602092.

Allele frequency attached by ClinVar (database versions not stated): gnomAD exomes 0.00317; ExAC 0.00408; gnomAD 0.01274 and 0.01363; 1000 Genomes Project 0.01298; 1000 Genomes Project 30x 0.01405; TOPMed 0.01461.
gnomAD v4.1: 3,646 of 1,610,172 alleles (0.23%); highest among the groups gnomAD compares: African/African-American, 4.4%; 76 homozygotes.

Submissions (12):

Labcorp Genetics (formerly Invitae), Labcorp
Classification: Benign. Last evaluated: 2026-02-03. Review status: criteria provided, single submitter. Criteria: Invitae Variant Classification Sherloc (09022015). Collection method: clinical testing. Allele origin: germline.

CeGaT Center for Human Genetics Tuebingen
Classification: Benign. Last evaluated: 2026-02-01. Review status: criteria provided, single submitter. Criteria: CeGaT Center For Human Genetics Tuebingen Variant Classification Criteria Version 2. Collection method: clinical testing. Allele origin: germline. Affected: yes. Observed: 1 variant allele.
Comment: USH1C: BP4, BS1, BS2

Women's Health and Genetics/Laboratory Corporation of America, LabCorp
Classification: Likely benign. Last evaluated: 2022-05-03. Review status: criteria provided, single submitter. Criteria: LabCorp Variant Classification Summary - May 2015. Collection method: clinical testing. Allele origin: germline.

Fulgent Genetics
Classification: Benign for Usher syndrome type 1; Usher syndrome type 1C; Autosomal recessive nonsyndromic hearing loss 18A. Last evaluated: 2022-05-02. Review status: criteria provided, single submitter. Criteria: ACMG Guidelines, 2015. Collection method: clinical testing. Allele origin: unknown.

ARUP Laboratories, Molecular Genetics and Genomics, ARUP Laboratories
Classification: Benign. Last evaluated: 2020-04-17. Review status: criteria provided, single submitter. Criteria: ARUP Molecular Germline Variant Investigation Process. Collection method: clinical testing. Allele origin: germline.

GeneDx
Classification: Benign. Last evaluated: 2018-03-12. Review status: criteria provided, single submitter. Criteria: GeneDx Variant Classification (06012015). Collection method: clinical testing. Allele origin: germline. Affected: yes.
Comment: This variant is considered likely benign or benign based on one or more of the following criteria: it is a conservative change, it occurs at a poorly conserved position in the protein, it is predicted to be benign by multiple in silico algorithms, and/or has population frequency not consistent with disease.

Illumina Laboratory Services, Illumina
Classification: Benign for Usher syndrome type 1C. Last evaluated: 2017-04-27. Review status: criteria provided, single submitter. Criteria: ICSL Variant Classification Criteria 13 December 2019. Collection method: clinical testing. Allele origin: germline.
Comment: This variant was observed as part of a predisposition screen in an ostensibly healthy population. A literature search was performed for the gene, cDNA change, and amino acid change (where applicable). Publications were found based on this search. The evidence from the literature, in combination with allele frequency data from public databases where available, was sufficient to rule this variant out of causing disease. Therefore, this variant is classified as benign.

Eurofins Ntd Llc (ga)
Classification: Benign. Last evaluated: 2015-07-10. Review status: criteria provided, single submitter. Criteria: EGL Classification Definitions 2015. Collection method: clinical testing. Allele origin: germline. Observed: 1 variant allele, 1 homozygote.

Laboratory for Molecular Medicine, Mass General Brigham Personalized Medicine
Classification: Benign. Last evaluated: 2010-04-06. Review status: criteria provided, single submitter. Criteria: LMM Criteria. Collection method: clinical testing. Allele origin: germline. Observed: 29 variant alleles.

Breakthrough Genomics
Classification: Benign. Review status: criteria provided, single submitter. Criteria: ACMG Guidelines, 2015. Collection method: not provided. Allele origin: germline. Inheritance: Autosomal recessive inheritance. Affected: yes.

Natera, Inc.
Classification: Benign for Usher syndrome type 1C. Last evaluated: 2020-09-16. Review status: no assertion criteria provided. Collection method: clinical testing. Allele origin: germline. Not counted in ClinVar's aggregate classification.

OMIM
Classification: Uncertain significance for RECLASSIFIED - VARIANT OF UNKNOWN SIGNIFICANCE. Last evaluated: 2014-10-02. Review status: no assertion criteria provided. Collection method: literature only. Allele origin: germline. Not counted in ClinVar's aggregate classification.

Literature cited by the submitters: PubMed 20142502 (cited by Illumina Laboratory Services, Illumina); PubMed 25262649 (cited by Illumina Laboratory Services, Illumina and OMIM); PubMed 12702164 (cited by 3 submitters).

NM_153676.4(USH1C):c.388G>A (p.Val130Ile)

Gene: USH1C (USH1 protein network component harmonin; minus strand). Cytogenetic location: 11p15.1.
Variant type: single nucleotide variant.
Coding change: c.388G>A on transcript NM_153676.4 (MANE Select); coding-DNA position 388, G replaced by A.
Protein change: p.Val130Ile; replaces valine 130 with isoleucine.
Molecular consequence: missense variant. On other transcripts: non-coding transcript variant (1).
Genome position (GRCh38, 1-based): chr11:17,527,331, C>T on the plus strand (G>A on the coding strand, the complement: USH1C is on the minus strand). VCF-style: chr11-17527331-C-T. GRCh37 (hg19) VCF-style: chr11-17548878-C-T.
Other names: c.388G>A, p.Val130Ile (NM_001297764.2, NM_005709.4); short protein forms V130I.
Identifiers: ClinVar variation 5149 (VCV000005149.39), dbSNP rs55843567, ClinGen allele CA142377.